The following continues an entry in ClinVar:

NM_007294.4(BRCA1):c.692C>T (p.Thr231Met)

Gene: BRCA1. ClinVar aggregate classification (germline): Conflicting classifications of pathogenicity. Uncertain significance (5); Benign (1); Likely benign (6).

Submissions 10 to 15 of 15:

Mayo Clinic Laboratories, Mayo Clinic
Classification: Uncertain significance. Last evaluated: 2022-12-09. Review status: criteria provided, single submitter. Criteria: ACMG Guidelines, 2015. Collection method: clinical testing. Allele origin: germline. Observed: 3 variant alleles.

National Health Laboratory Service, Universitas Academic Hospital and University of the Free State
Classification: Uncertain significance for Hereditary breast ovarian cancer syndrome. Last evaluated: 2021-11-16. Review status: criteria provided, single submitter. Criteria: ACMG Guidelines, 2015. Collection method: clinical testing. Allele origin: germline. Affected: yes. Observed: 1 variant allele.

Color Diagnostics, LLC DBA Color Health
Classification: Likely benign for Hereditary cancer-predisposing syndrome. Last evaluated: 2017-01-22. Review status: criteria provided, single submitter. Criteria: ACMG Guidelines, 2015. Collection method: clinical testing. Allele origin: germline.

Counsyl
Classification: Uncertain significance for Breast-ovarian cancer, familial, susceptibility to, 1. Last evaluated: 2017-08-29. Review status: no assertion criteria provided. Collection method: clinical testing. Allele origin: unknown. Not counted in ClinVar's aggregate classification.

Breast Cancer Information Core (BIC) (BRCA1)
Classification: Uncertain significance for Breast-ovarian cancer, familial 1. Last evaluated: 2002-06-20. Review status: no assertion criteria provided. Collection method: clinical testing. Allele origin: germline. Affected: yes. Observed: 2 variant alleles. Not counted in ClinVar's aggregate classification.

Department of Pathology and Laboratory Medicine, Sinai Health System
Classification: Uncertain significance. Review status: no assertion criteria provided. Collection method: clinical testing. Allele origin: unknown. Affected: yes. Observed: 1 variant allele. Study: The Canadian Open Genetics Repository (COGR). Not counted in ClinVar's aggregate classification.

Literature cited by the submitters: PubMed 16267036 (cited by Women's Health and Genetics/Laboratory Corporation of America, LabCorp and Quest Diagnostics Nichols Institute San Juan Capistrano); PubMed 15385441 (cited by Women's Health and Genetics/Laboratory Corporation of America, LabCorp); PubMed 23867111 (cited by 4 submitters); PubMed 21638052 (cited by 4 submitters); PubMed 19949876 (cited by 4 submitters); PubMed 23034506 (cited by 3 submitters); PubMed 25056543 (cited by 3 submitters); PubMed 29360161 (cited by 3 submitters); PubMed 30287823 (cited by 3 submitters); PubMed 31131967 (cited by 3 submitters); PubMed 32546644 (cited by Women's Health and Genetics/Laboratory Corporation of America, LabCorp and Quest Diagnostics Nichols Institute San Juan Capistrano); PubMed 33471991 (cited by Women's Health and Genetics/Laboratory Corporation of America, LabCorp and Quest Diagnostics Nichols Institute San Juan Capistrano); PubMed 35263119 (cited by Women's Health and Genetics/Laboratory Corporation of America, LabCorp); PubMed 34130653 (cited by Women's Health and Genetics/Laboratory Corporation of America, LabCorp); PubMed 37460928 (cited by Women's Health and Genetics/Laboratory Corporation of America, LabCorp); PubMed 32467295 (cited by Quest Diagnostics Nichols Institute San Juan Capistrano); PubMed 34981296 (cited by Quest Diagnostics Nichols Institute San Juan Capistrano); DOI 10.3389/fgene.2022.834265 (cited by National Health Laboratory Service, Universitas Academic Hospital and University of the Free State).